The following is an entry in ClinVar:

ClinVar aggregate classification (germline): Uncertain significance. Review status: criteria provided, multiple submitters, no conflicts (2 of 4 stars). 2 submissions from 2 submitters: Uncertain significance (2). Last evaluated 2024-02-27.

Allele frequency attached by ClinVar (database versions not stated): ExAC 0.00003.

Submissions (2):

GeneDx
Classification: Uncertain significance. Last evaluated: 2024-02-27. Review status: criteria provided, single submitter. Criteria: GeneDx Variant Classification Process June 2021. Collection method: clinical testing. Allele origin: germline. Affected: yes.
Comment: Not observed at significant frequency in large population cohorts (gnomAD); In silico analysis supports that this missense variant does not alter protein structure/function; Has not been previously published as pathogenic or benign to our knowledge; This variant is associated with the following publications: (PMID: 20440071)

Labcorp Genetics (formerly Invitae), Labcorp
Classification: Uncertain significance. Last evaluated: 2022-09-13. Review status: criteria provided, single submitter. Criteria: Invitae Variant Classification Sherloc (09022015). Collection method: clinical testing. Allele origin: germline.
Comment: This sequence change replaces valine, which is neutral and non-polar, with methionine, which is neutral and non-polar, at codon 129 of the PDZD7 protein (p.Val129Met). This variant is present in population databases (rs757413778, gnomAD 0.006%). This variant has not been reported in the literature in individuals affected with PDZD7-related conditions. Advanced modeling of protein sequence and biophysical properties (such as structural, functional, and spatial information, amino acid conservation, physicochemical variation, residue mobility, and thermodynamic stability) performed at Invitae indicates that this missense variant is not expected to disrupt PDZD7 protein function. In summary, the available evidence is currently insufficient to determine the role of this variant in disease. Therefore, it has been classified as a Variant of Uncertain Significance.

NM_001195263.2(PDZD7):c.385G>A (p.Val129Met)

Gene: PDZD7 (PDZ domain containing 7; minus strand). Cytogenetic location: 10q24.31.
Variant type: single nucleotide variant.
Coding change: c.385G>A on transcript NM_001195263.2 (MANE Select); coding-DNA position 385, G replaced by A.
Protein change: p.Val129Met; replaces valine 129 with methionine.
Molecular consequence: missense variant.
Genome position (GRCh38, 1-based): chr10:101,023,593, C>T on the plus strand (G>A on the coding strand, the complement: PDZD7 is on the minus strand). VCF-style: chr10-101023593-C-T. GRCh37 (hg19) VCF-style: chr10-102783350-C-T.
Other names: c.385G>A, p.Val129Met (NM_001351044.2, NM_024895.5); c.385G>A (NM_001195263.1); short protein forms V129M.
Identifiers: ClinVar variation 2428258 (VCV002428258.4), dbSNP rs757413778, ClinGen allele CA5654395.